The following is an entry in ClinVar:

ClinVar aggregate classification (germline): Conflicting classifications of pathogenicity. Review status: criteria provided, conflicting classifications (1 of 4 stars). 2 submissions from 2 submitters: Pathogenic (1); Uncertain significance (1). Last evaluated 2024-05-22.

Conditions:
Hepatoencephalopathy due to combined oxidative phosphorylation defect type 1. Also called: HEPATOENCEPHALOPATHY, EARLY FATAL PROGRESSIVE. Identifiers: Orphanet 137681, MedGen C1836797, MONDO:0012191, OMIM 609060.

Submissions (2):

Women's Health and Genetics/Laboratory Corporation of America, LabCorp
Classification: Uncertain significance. Last evaluated: 2024-05-22. Review status: criteria provided, single submitter. Criteria: LabCorp Variant Classification Summary - May 2015. Collection method: clinical testing. Allele origin: germline.
Comment: Variant summary: GFM1 c.1922C>A (p.Ala641Glu) results in a non-conservative amino acid change located in the Translation elongation factor EFG/EF2, domain IV (IPR005517) of the encoded protein sequence. Four of five in-silico tools predict a damaging effect of the variant on protein function. The variant allele was found at a frequency of 4e-06 in 251214 control chromosomes. The available data on variant occurrences in the general population are insufficient to allow any conclusion about variant significance. c.1922C>A has been reported in the literature in the compound heterozygous state in at least one individual affected with Combined Oxidative Phosphorylation Deficiency 1 (example, Barcia_2020). These data do not allow any conclusion about variant significance. To our knowledge, no experimental evidence demonstrating an impact on protein function has been reported. The following publication has been ascertained in the context of this evaluation (PMID: 31680380). ClinVar contains an entry for this variant (Variation ID: 812089). Based on the evidence outlined above, the variant was classified as uncertain significance.

Laboratoire de Génétique Moléculaire Institut de Recherche Necker Enfants Malades, CHU Paris - Hôpital Necker-Enfants Malades
Classification: Pathogenic for Combined oxidative phosphorylation deficiency 1. Review status: criteria provided, single submitter. Criteria: ACMG Guidelines, 2015. Collection method: clinical testing. Allele origin: inherited. Affected: yes. Observed: 1 variant allele.

Literature cited by the submitters: PubMed 31680380 (cited by Women's Health and Genetics/Laboratory Corporation of America, LabCorp).

NM_024996.7(GFM1):c.1922C>A (p.Ala641Glu)

Variant type: Haplotype.
Coding change: c.1922C>A on transcript NM_024996.7; coding-DNA position 1922, C replaced by A.
Protein change: p.Ala641Glu; replaces alanine 641 with glutamic acid.
Identifiers: ClinVar variation 812089 (VCV000812089.2).